The following is an entry in ClinVar:

ClinVar aggregate classification (germline): Uncertain significance. Review status: criteria provided, multiple submitters, no conflicts (2 of 4 stars). 2 submissions from 2 submitters: Uncertain significance (2). Last evaluated 2025-10-21.

Conditions:
Hypertrophic cardiomyopathy. Also called: HYPERTROPHIC MYOCARDIOPATHY. Identifiers: Orphanet 217569, MedGen C0007194, MeSH D002312, MONDO:0005045, HP:0001639.

Submissions (2):

Labcorp Genetics (formerly Invitae), Labcorp
Classification: Uncertain significance for Hypertrophic cardiomyopathy. Last evaluated: 2025-10-21. Review status: criteria provided, single submitter. Criteria: Invitae Variant Classification Sherloc (09022015). Collection method: clinical testing. Allele origin: germline.
Comment: This sequence change replaces isoleucine, which is neutral and non-polar, with valine, which is neutral and non-polar, at codon 411 of the MYBPC3 protein (p.Ile411Val). This variant is not present in population databases (gnomAD no frequency). This missense change has been observed in individual(s) with hypertrophic cardiomyopathy (PMID: 27532257, 37652022). ClinVar contains an entry for this variant (Variation ID: 3073040). An algorithm developed to predict the effect of missense changes on protein structure and function (PolyPhen-2) suggests that this variant is likely to be tolerated. In summary, the available evidence is currently insufficient to determine the role of this variant in disease. Therefore, it has been classified as a Variant of Uncertain Significance.

All of Us Research Program, National Institutes of Health
Classification: Uncertain significance for Hypertrophic cardiomyopathy. Last evaluated: 2023-08-23. Review status: criteria provided, single submitter. Criteria: ACMG Guidelines, 2015. Collection method: clinical testing. Allele origin: germline. Inheritance: Autosomal dominant inheritance. Observed: 1 variant allele, 1 heterozygote.
Comment: This missense variant replaces isoleucine with valine at codon 411 of the MYBPC3 protein. Computational prediction suggests that this variant may not impact protein structure and function (internally defined REVEL score threshold <= 0.5, PMID: 27666373). To our knowledge, functional studies have not been reported for this variant. This variant has been reported in an individual affected with hypertrophic cardiomyopathy (PMID: 27532257). This variant has not been identified in the general population by the Genome Aggregation Database (gnomAD). The available evidence is insufficient to determine the role of this variant in disease conclusively. Therefore, this variant is classified as a Variant of Uncertain Significance.

This study involves interpretation of variants in research participants for the purpose of population health screening. Participant phenotype was not available at the time of variant classification. Additional details can be found in publication PMID: 35346344, PMCID: PMC8962531

Literature cited by the submitters: PubMed 27532257 (cited by Labcorp Genetics (formerly Invitae), Labcorp and All of Us Research Program, National Institutes of Health); PubMed 37652022 (cited by Labcorp Genetics (formerly Invitae), Labcorp).

NM_000256.3(MYBPC3):c.1231A>G (p.Ile411Val)

Gene: MYBPC3 (myosin binding protein C3; minus strand). Cytogenetic location: 11p11.2.
Variant type: single nucleotide variant.
Coding change: c.1231A>G on transcript NM_000256.3 (MANE Select); coding-DNA position 1231, A replaced by G.
Protein change: p.Ile411Val; replaces isoleucine 411 with valine.
Molecular consequence: missense variant.
Genome position (GRCh38, 1-based): chr11:47,343,141, T>C on the plus strand (A>G on the coding strand, the complement: MYBPC3 is on the minus strand). VCF-style: chr11-47343141-T-C. GRCh37 (hg19) VCF-style: chr11-47364692-T-C.
Other names: short protein forms I411V.
Identifiers: ClinVar variation 3073040 (VCV003073040.3), dbSNP rs1294930067, ClinGen allele CA380327734.
Genomic context (GRCh38, chr11:47,343,141, plus strand): 5'-CGTCCGCCAATGAGCACTGGCTGATGGTCAGGGTACGCTTGGCACCGATGGACTCAAAGA[T>C]GTACCTGGGTGGGGGCCGCAGGGAAGTGGCAGGAAAGCTGCGGACACCCCTCCGGGCCCA-3'
Protein context (NP_000247.2, residues 401-421): QEIQMSGSKY[Ile411Val]FESIGAKRTL